The following is an entry in ClinVar:

ClinVar aggregate classification (germline): Uncertain significance. Review status: criteria provided, multiple submitters, no conflicts (2 of 4 stars). 2 submissions from 2 submitters: Uncertain significance (2). Last evaluated 2025-03-12.

Conditions:
Nemaline myopathy 8 (NEM8). Also called: Nemaline myopathy 8, autosomal recessive. Identifiers: Orphanet 171430, MedGen C3809209, MONDO:0014138, OMIM 615348.

Allele frequency attached by ClinVar (database versions not stated): gnomAD exomes below 0.00001; ExAC 0.00001; gnomAD 0.00001; TOPMed 0.00003; ESP Exome Variant Server 0.00008.
gnomAD v4.1: 3 of 1,613,512 alleles (0.00019%); highest among the groups gnomAD compares: African/African-American, 0.004%; no homozygotes.

Submissions (2):

GeneDx
Classification: Uncertain significance. Last evaluated: 2025-03-12. Review status: criteria provided, single submitter. Criteria: GeneDx Variant Classification Process June 2021. Collection method: clinical testing. Allele origin: germline. Affected: yes.
Comment: Not observed at a significant frequency in large population cohorts (gnomAD); In silico analysis supports that this missense variant does not alter protein structure/function; Has not been previously published as pathogenic or benign to our knowledge

Labcorp Genetics (formerly Invitae), Labcorp
Classification: Uncertain significance for Nemaline myopathy 8. Last evaluated: 2022-11-15. Review status: criteria provided, single submitter. Criteria: Invitae Variant Classification Sherloc (09022015). Collection method: clinical testing. Allele origin: germline.
Comment: This sequence change replaces serine, which is neutral and polar, with asparagine, which is neutral and polar, at codon 551 of the KLHL40 protein (p.Ser551Asn). The frequency data for this variant in the population databases is considered unreliable, as metrics indicate poor data quality at this position in the gnomAD database. In summary, the available evidence is currently insufficient to determine the role of this variant in disease. Therefore, it has been classified as a Variant of Uncertain Significance. Advanced modeling of protein sequence and biophysical properties (such as structural, functional, and spatial information, amino acid conservation, physicochemical variation, residue mobility, and thermodynamic stability) performed at Invitae indicates that this missense variant is not expected to disrupt KLHL40 protein function. ClinVar contains an entry for this variant (Variation ID: 838954). This variant has not been reported in the literature in individuals affected with KLHL40-related conditions.

NM_152393.4(KLHL40):c.1652G>A (p.Ser551Asn)

Gene: KLHL40 (kelch like family member 40; plus strand). Cytogenetic location: 3p22.1.
Variant type: single nucleotide variant.
Coding change: c.1652G>A on transcript NM_152393.4 (MANE Select); coding-DNA position 1652, G replaced by A.
Protein change: p.Ser551Asn; replaces serine 551 with asparagine.
Molecular consequence: missense variant.
Genome position (GRCh38, 1-based): chr3:42,690,903, G>A. VCF-style: chr3-42690903-G-A. GRCh37 (hg19) VCF-style: chr3-42732395-G-A.
Other names: short protein forms S551N.
Identifiers: ClinVar variation 838954 (VCV000838954.5), dbSNP rs373194829, ClinGen allele CA2337045.